The following is an entry in ClinVar:

ClinVar aggregate classification (germline): Uncertain significance (1 of 4 stars; one submission).

Conditions:
Dyskeratosis congenita, autosomal recessive 5 (DKCB5). Identifiers: MedGen C3554656, MONDO:0014076, OMIM 615190.
Pulmonary fibrosis and/or bone marrow failure, Telomere-related, 3. Also called: PULMONARY FIBROSIS AND/OR BONE MARROW FAILURE SYNDROME, TELOMERE-RELATED, 3. Identifiers: Orphanet 2032, MedGen C4225346, MONDO:0014613, OMIM 616373.

Submission:

Labcorp Genetics (formerly Invitae), Labcorp
Classification: Uncertain significance for Dyskeratosis congenita, autosomal recessive 5; Pulmonary fibrosis and/or bone marrow failure, Telomere-related, 3. Last evaluated: 2023-07-31. Review status: criteria provided, single submitter. Criteria: Invitae Variant Classification Sherloc (09022015). Collection method: clinical testing. Allele origin: germline.
Comment: In summary, the available evidence is currently insufficient to determine the role of this variant in disease. Therefore, it has been classified as a Variant of Uncertain Significance. Algorithms developed to predict the effect of missense changes on protein structure and function output the following: SIFT: "Not Available"; PolyPhen-2: "Benign"; Align-GVGD: "Not Available". The arginine amino acid residue is found in multiple mammalian species, which suggests that this missense change does not adversely affect protein function. This variant has not been reported in the literature in individuals affected with RTEL1-related conditions. This variant is not present in population databases (gnomAD no frequency). This sequence change replaces glycine, which is neutral and non-polar, with arginine, which is basic and polar, at codon 1191 of the RTEL1 protein (p.Gly1191Arg).

NM_001283009.2(RTEL1):c.3571G>C (p.Gly1191Arg)

Genes: RTEL1 (regulator of telomere elongation helicase 1; plus strand), RTEL1-TNFRSF6B (RTEL1-TNFRSF6B readthrough (NMD candidate); plus strand). Cytogenetic location: 20q13.33.
Variant type: single nucleotide variant.
Coding change: c.3571G>C on transcript NM_001283009.2 (MANE Select); coding-DNA position 3571, G replaced by C.
Protein change: p.Gly1191Arg; replaces glycine 1191 with arginine.
Molecular consequence: missense variant. On other transcripts: non-coding transcript variant (1).
Genome position (GRCh38, 1-based): chr20:63,695,399, G>C. VCF-style: chr20-63695399-G-C. GRCh37 (hg19) VCF-style: chr20-62326752-G-C.
Other names: c.2902G>C, p.Gly968Arg (NM_001283010.1); c.3571G>C, p.Gly1191Arg (NM_016434.4); c.3643G>C, p.Gly1215Arg (NM_032957.5); short protein forms G1191R, G1215R, G968R.
Identifiers: ClinVar variation 2950524 (VCV002950524.3), dbSNP rs2090953166, ClinGen allele CA409686280.
Genomic context (GRCh38, chr20:63,695,399, plus strand): 5'-TCCGAGAAGACCGGGAAGACCCAGAGCAAGATCTCGTCCTTCCTTAGACAGAGGCCAGCA[G>C]GGACTGTGGGGGCGGGCGGTGAGGATGCAGGTCCCAGCCAGTCCTCAGGACCTCCCCACG-3'
Protein context (NP_001269938.1, residues 1181-1201): ISSFLRQRPA[Gly1191Arg]TVGAGGEDAG